The following is an entry in ClinVar:

ClinVar aggregate classification (germline): Pathogenic. Review status: criteria provided, multiple submitters, no conflicts (2 of 4 stars). 4 submissions from 4 submitters: Pathogenic (3). 1 of the submissions does not count toward it. Last evaluated 2025-12-23.

Conditions:
X-linked agammaglobulinemia (XLA). Also called: Agammaglobulinemia, Bruton tyrosine kinase; Agammaglobulinemia, BTK; BTK-deficiency; IMMUNODEFICIENCY 1; Bruton's agammaglobulinemia; AGAMMAGLOBULINEMIA, X-LINKED, TYPE 1. Identifiers: Orphanet 229717, Orphanet 47, MedGen C0221026, MONDO:0010421, OMIM 300755.
X-linked agammaglobulinemia with growth hormone deficiency (IGHD3). Also called: ISOLATED GROWTH HORMONE DEFICIENCY, TYPE III, WITH AGAMMAGLOBULINEMIA; AGAMMAGLOBULINEMIA AND ISOLATED GROWTH HORMONE DEFICIENCY, X-LINKED; FLEISHER SYNDROME; HYPOGAMMAGLOBULINEMIA AND ISOLATED GROWTH HORMONE DEFICIENCY, X-LINKED; IGHD III; Isolated growth hormone deficiency type 3. Identifiers: Orphanet 231692, Orphanet 631, MedGen C0472813, MONDO:0010615, OMIM 307200.

Submissions (4):

Labcorp Genetics (formerly Invitae), Labcorp
Classification: Pathogenic for X-linked agammaglobulinemia with growth hormone deficiency. Last evaluated: 2025-12-23. Review status: criteria provided, single submitter. Criteria: Invitae Variant Classification Sherloc (09022015). Collection method: clinical testing. Allele origin: germline.
Comment: This sequence change creates a premature translational stop signal (p.Arg13*) in the BTK gene. It is expected to result in an absent or disrupted protein product. Loss-of-function variants in BTK are known to be pathogenic (PMID: 15661032, 16862044, 19419768). This variant is not present in population databases (gnomAD no frequency). This premature translational stop signal has been observed in individual(s) with X-linked recessive agammaglobulinemia (PMID: 7849697). ClinVar contains an entry for this variant (Variation ID: 11344). For these reasons, this variant has been classified as Pathogenic.

Next Generation Genetic Polyclinic
Classification: Pathogenic for X-linked agammaglobulinemia. Last evaluated: 2025-04-29. Review status: criteria provided, single submitter. Criteria: ACMG Guidelines, 2015. Collection method: clinical testing. Allele origin: germline. Affected: yes. Observed: 1 variant allele.
Comment: Pathogenic missense variant in BTK gene (NM_000061.3:c.37C>T), identified through clinical testing. This germline alteration results in a hemizygous substitution affecting exon 2 of the BTK gene, consistent with X-linked recessive inheritance. It has been well-documented in association with X-linked agammaglobulinemia and is classified as pathogenic based on multiple lines of evidence. Sanger sequencing confirmed variant presence. The variant is expected to disrupt protein function and is supported by prior reports in ClinVar and scientific literature. Meets ACMG criteria including PS1, PM2, PP3, and PP5 (if applicable).

Women's Health and Genetics/Laboratory Corporation of America, LabCorp
Classification: Pathogenic for X-linked Agammaglobulinemia. Last evaluated: 2011-08-18. Review status: criteria provided, single submitter. Criteria: LabCorp Variant Classification Summary - May 2015. Collection method: curation, clinical testing. Allele origin: germline. Inheritance: Xlinked recessive. Affected: yes. Observed: 7 variant alleles.
ClinVar note: Converted during submission from pathogenic to Pathogenic.

OMIM
Classification: Pathogenic for AGAMMAGLOBULINEMIA, X-LINKED. Last evaluated: 1994-10-01. Review status: no assertion criteria provided. Collection method: literature only. Allele origin: germline. Not counted in ClinVar's aggregate classification.

Literature cited by the submitters: PubMed 15661032 (cited by Labcorp Genetics (formerly Invitae), Labcorp and Women's Health and Genetics/Laboratory Corporation of America, LabCorp); PubMed 16862044 (cited by Labcorp Genetics (formerly Invitae), Labcorp); PubMed 19419768 (cited by Labcorp Genetics (formerly Invitae), Labcorp); PubMed 7849697 (cited by 3 submitters); PubMed 12204007 (cited by Women's Health and Genetics/Laboratory Corporation of America, LabCorp); PubMed 11742281 (cited by Women's Health and Genetics/Laboratory Corporation of America, LabCorp); PubMed 11555397 (cited by Women's Health and Genetics/Laboratory Corporation of America, LabCorp); PubMed 16751014 (cited by Women's Health and Genetics/Laboratory Corporation of America, LabCorp); PubMed 9143921 (cited by Women's Health and Genetics/Laboratory Corporation of America, LabCorp); PubMed 19039656 (cited by Women's Health and Genetics/Laboratory Corporation of America, LabCorp); PubMed 7554467 (cited by Women's Health and Genetics/Laboratory Corporation of America, LabCorp).

NM_000061.3(BTK):c.37C>T (p.Arg13Ter)

Gene: BTK (Bruton tyrosine kinase; minus strand). Cytogenetic location: Xq22.1.
Variant type: single nucleotide variant.
Coding change: c.37C>T on transcript NM_000061.3 (MANE Select); coding-DNA position 37, C replaced by T.
Protein change: p.Arg13Ter; replaces arginine 13 with a stop codon.
Molecular consequence: nonsense.
Genome position (GRCh38, 1-based): chrX:101,375,248, G>A on the plus strand (C>T on the coding strand, the complement: BTK is on the minus strand). VCF-style: chrX-101375248-G-A. GRCh37 (hg19) VCF-style: chrX-100630236-G-A.
Other names: c.139C>T, p.Arg47Ter (NM_001287344.2); c.37C>T, p.Arg13Ter (NM_001287345.2); short protein forms R13*, R47*.
Identifiers: ClinVar variation 11344 (VCV000011344.6), dbSNP rs128620187, ClinGen allele CA255788.